The following is an entry in ClinVar:

NM_000836.4(GRIN2D):c.1848G>A (p.Leu616=)

Gene: GRIN2D (glutamate ionotropic receptor NMDA type subunit 2D; plus strand). Cytogenetic location: 19q13.33.
Variant type: single nucleotide variant.
Coding change: c.1848G>A on transcript NM_000836.4 (MANE Select); coding-DNA position 1848, G replaced by A.
Protein change: p.Leu616=; no amino-acid change (leucine 616 retained).
Molecular consequence: synonymous variant.
Genome position (GRCh38, 1-based): chr19:48,419,346, G>A. VCF-style: chr19-48419346-G-A. GRCh37 (hg19) VCF-style: chr19-48922603-G-A.
Identifiers: ClinVar variation 2650200 (VCV002650200.24), dbSNP rs76163376, ClinGen allele CA309338732.

ClinVar aggregate classification (germline): Likely benign (1 of 4 stars; one submission).

Allele frequency attached by ClinVar (database versions not stated): gnomAD exomes below 0.00001; gnomAD 0.00001; TOPMed 0.00001.
gnomAD v4.1: 4 of 1,603,642 alleles (0.00025%); highest among the groups gnomAD compares: Non-Finnish European, 0.00034%; no homozygotes.

Submission:

CeGaT Center for Human Genetics Tuebingen
Classification: Likely benign. Last evaluated: 2022-08-01. Review status: criteria provided, single submitter. Criteria: CeGaT Center For Human Genetics Tuebingen Variant Classification Criteria Version 2. Collection method: clinical testing. Allele origin: germline. Affected: yes. Observed: 1 variant allele.
Comment: GRIN2D: BP4, BP7